The following is an entry in ClinVar:

ClinVar aggregate classification (germline): Uncertain significance (1 of 4 stars; one submission).

Conditions:
Developmental and epileptic encephalopathy, 23 (DEE23). Also called: Epileptic encephalopathy, early infantile, 23. Identifiers: Orphanet 411986, MedGen C4014492, MONDO:0014371, OMIM 615859.

Submission:

Labcorp Genetics (formerly Invitae), Labcorp
Classification: Uncertain significance for Developmental and epileptic encephalopathy, 23. Last evaluated: 2022-07-26. Review status: criteria provided, single submitter. Criteria: Invitae Variant Classification Sherloc (09022015). Collection method: clinical testing. Allele origin: germline.
Comment: This sequence change replaces isoleucine, which is neutral and non-polar, with leucine, which is neutral and non-polar, at codon 1285 of the DOCK7 protein (p.Ile1285Leu). This variant is not present in population databases (gnomAD no frequency). In summary, the available evidence is currently insufficient to determine the role of this variant in disease. Therefore, it has been classified as a Variant of Uncertain Significance. Algorithms developed to predict the effect of missense changes on protein structure and function are either unavailable or do not agree on the potential impact of this missense change (SIFT: "Tolerated"; PolyPhen-2: "Possibly Damaging"; Align-GVGD: "Class C0"). This variant has not been reported in the literature in individuals affected with DOCK7-related conditions.

NM_001367561.1(DOCK7):c.3853A>T (p.Ile1285Leu)

Gene: DOCK7 (dedicator of cytokinesis 7; minus strand). Cytogenetic location: 1p31.3.
Variant type: single nucleotide variant.
Coding change: c.3853A>T on transcript NM_001367561.1 (MANE Select); coding-DNA position 3853, A replaced by T.
Protein change: p.Ile1285Leu; replaces isoleucine 1285 with leucine.
Molecular consequence: missense variant.
Genome position (GRCh38, 1-based): chr1:62,528,234, T>A on the plus strand (A>T on the coding strand, the complement: DOCK7 is on the minus strand). VCF-style: chr1-62528234-T-A. GRCh37 (hg19) VCF-style: chr1-62993905-T-A.
Other names: c.3853A>T, p.Ile1285Leu (NM_001271999.2, NM_001330614.2); c.3760A>T, p.Ile1254Leu (NM_001272000.2, NM_001272001.2, NM_033407.4); short protein forms I1254L, I1285L.
Identifiers: ClinVar variation 2095010 (VCV002095010.4), dbSNP rs1198462552, ClinGen allele CA340599891.
Genomic context (GRCh38, chr1:62,528,234, plus strand): 5'-CAGGCCTTGTTAGTTGAGGGACCGATGTCCCTGCGATTGCCATGGCAACGGTCTGGCTTA[T>A]CATACTTCCGCTCTCACTTTCATAATCATCAGTGGCTATACAAATTGGTCTTCCTCGTTG-3'
Protein context (NP_001354490.1, residues 1275-1295): DDYESESGSM[Ile1285Leu]SQTVAMAIAG